The following is an entry in ClinVar:

NM_001943.5(DSG2):c.461A>C (p.Asp154Ala)

Gene: DSG2 (desmoglein 2; plus strand). Cytogenetic location: 18q12.1.
Variant type: single nucleotide variant.
Coding change: c.461A>C on transcript NM_001943.5 (MANE Select); coding-DNA position 461, A replaced by C.
Protein change: p.Asp154Ala; replaces aspartic acid 154 with alanine.
Molecular consequence: missense variant.
Genome position (GRCh38, 1-based): chr18:31,521,181, A>C. VCF-style: chr18-31521181-A-C. GRCh37 (hg19) VCF-style: chr18-29101144-A-C.
Other names: short protein forms D154A.
Identifiers: ClinVar variation 920383 (VCV000920383.5), dbSNP rs2073125828, ClinGen allele CA402132201.
Genomic context (GRCh38, chr18:31,521,181, plus strand): 5'-CAAGAGGAAACAATGTAGAGAAACCCTTAGAGCTACGCATTAAGGTTCTTGATATCAATG[A>C]CAACGAACCAGTGTTCACACAGGATGTCTTTGTTGGGTCTGTTGAAGAGTTGAGTGCAGC-3'
Protein context (NP_001934.2, residues 144-164): ELRIKVLDIN[Asp154Ala]NEPVFTQDVF

ClinVar aggregate classification (germline): Uncertain significance (1 of 4 stars; one submission).

Conditions:
Cardiomyopathy (CMYO). Also called: Cardiomyopathies. Identifiers: Orphanet 167848, MedGen C0878544, MONDO:0004994, HP:0001638. Inheritance: Various modes of inheritance.

Submission:

Color Diagnostics, LLC DBA Color Health
Classification: Uncertain significance for Cardiomyopathy. Last evaluated: 2023-12-05. Review status: criteria provided, single submitter. Criteria: ACMG Guidelines, 2015. Collection method: clinical testing. Allele origin: germline.
Comment: This missense variant replaces aspartic acid with alanine at codon 154 of the DSG2 protein. Computational prediction tools and conservation analyses suggest that this variant may have deleterious impact on the protein function. Computational splicing tools suggest that this variant may not impact RNA splicing. To our knowledge, functional assays have not been performed for this variant nor has this variant been reported in individuals affected with cardiovascular disorders in the literature. This variant has not been identified in the general population by the Genome Aggregation Database (gnomAD). Available evidence is insufficient to determine the role of this variant in disease conclusively. Therefore, this variant is classified as a Variant of Uncertain Significance.